The following is an entry in ClinVar:

ClinVar aggregate classification (germline): Uncertain significance. Review status: criteria provided, multiple submitters, no conflicts (2 of 4 stars). 4 submissions from 4 submitters: Uncertain significance (3). 1 of the submissions does not count toward it. Last evaluated 2026-04-14.

Conditions:
ATP8B1-related disorder. Also called: ATP8B1-related condition; ATP8B1-related disorders.
Cholestasis, intrahepatic, of pregnancy, 1 (ICP1). Also called: CHOLESTASIS, PREGNANCY-RELATED, 1. Identifiers: Orphanet 69665, MedGen C3549845, MONDO:0007829, OMIM 147480.
Familial intrahepatic cholestasis. Identifiers: Orphanet 284385, MedGen CN296401, MONDO:0017290.

Allele frequency attached by ClinVar (database versions not stated): gnomAD exomes 0.00003 and 0.00004; TOPMed 0.00003; ExAC 0.00005; gnomAD 0.00006 and 0.00007; ESP Exome Variant Server 0.00015.
gnomAD v4.1: 58 of 1,613,888 alleles (0.0036%); highest among the groups gnomAD compares: African/African-American, 0.02%; no homozygotes.

Submissions (4):

Genomenon, Inc
Classification: Uncertain significance for Familial intrahepatic cholestasis. Last evaluated: 2026-04-14. Review status: criteria provided, single submitter. Criteria: Genomenon Sequence Variant Interpretation Standards - Updated. Collection method: curation. Allele origin: germline. Affected: no.
Comment: ATP8B1 p.Thr9Met (c.26C>T) is a missense variant that changes the amino acid at residue 9 from Threonine to Methionine. This variant has been reported in the published literature (PMID:32942997). It is absent or not present at a significant frequency in gnomAD. In silico models predict that this variant is not damaging. In conclusion, we classify ATP8B1 p.Thr9Met (c.26C>T) as a variant of uncertain significance.

Genomic Medicine Center of Excellence, King Faisal Specialist Hospital and Research Centre
Classification: Uncertain significance for Cholestasis, intrahepatic, of pregnancy, 1. Last evaluated: 2024-03-25. Review status: criteria provided, single submitter. Criteria: ACMG Guidelines, 2015. Collection method: clinical testing. Allele origin: germline.

Eurofins Ntd Llc (ga)
Classification: Uncertain significance. Last evaluated: 2017-01-23. Review status: criteria provided, single submitter. Criteria: EGL Classification Definitions 2015. Collection method: clinical testing. Allele origin: germline. Observed: 1 variant allele, 1 heterozygote.

PreventionGenetics, part of Exact Sciences
Classification: Uncertain significance for ATP8B1-related condition. Last evaluated: 2024-08-01. Review status: no assertion criteria provided. Collection method: clinical testing. Allele origin: germline. Not counted in ClinVar's aggregate classification.
Comment: The ATP8B1 c.26C>T variant is predicted to result in the amino acid substitution p.Thr9Met. This variant has been reported in an individual with intrahepatic cholestasis of pregnancy (Liu et al 2020. PubMed ID: 32942997). This variant is reported in 0.024% of alleles in individuals of African descent in gnomAD. At this time, the clinical significance of this variant is uncertain due to the absence of conclusive functional and genetic evidence.

Literature cited by the submitters: PubMed 32942997 (cited by Genomenon, Inc).

NM_001374385.1(ATP8B1):c.26C>T (p.Thr9Met)

Gene: ATP8B1 (ATPase phospholipid transporting 8B1; minus strand). Cytogenetic location: 18q21.31.
Variant type: single nucleotide variant.
Coding change: c.26C>T on transcript NM_001374385.1 (MANE Select); coding-DNA position 26, C replaced by T.
Protein change: p.Thr9Met; replaces threonine 9 with methionine.
Molecular consequence: missense variant. On other transcripts: 5 prime UTR variant (1).
Genome position (GRCh38, 1-based): chr18:57,731,782, G>A on the plus strand (C>T on the coding strand, the complement: ATP8B1 is on the minus strand). VCF-style: chr18-57731782-G-A. GRCh37 (hg19) VCF-style: chr18-55399014-G-A.
Other names: c.-27C>T (NM_001374386.1); c.26C>T, p.Thr9Met (NM_005603.6); c.26C>T (NM_005603.4); short protein forms T9M.
Identifiers: ClinVar variation 500077 (VCV000500077.8), dbSNP rs150268416, ClinGen allele CA8974960.